The following is an entry in ClinVar:

NM_004006.3(DMD):c.1331+131G>C

Gene: DMD (dystrophin; minus strand). Cytogenetic location: Xp21.1.
Variant type: single nucleotide variant.
Coding change: c.1331+131G>C on transcript NM_004006.3 (MANE Select); 131 bases into the intron after coding-DNA position 1331, G replaced by C.
Molecular consequence: intron variant.
Genome position (GRCh38, 1-based): chrX:32,644,001, C>G on the plus strand (G>C on the coding strand, the complement: DMD is on the minus strand). VCF-style: chrX-32644001-C-G. GRCh37 (hg19) VCF-style: chrX-32662118-C-G.
Other names: c.1307+131G>C (NM_000109.4); c.1319+131G>C (NM_004009.3); c.962+131G>C (NM_004010.3).
Identifiers: ClinVar variation 676063 (VCV000676063.1), dbSNP rs72470504, ClinGen allele CA328544711.
Genomic context (GRCh38, chrX:32,644,001, plus strand): 5'-CTGCTCTTTTAGTTACAAAAGTGAAAACCAAAATGTTATTTCTATGAAAATCCAACCAGT[C>G]TCCCTTGAAAGAAAGCTGTGTGCCTTGGGAACAAACTGAGAATCGTAACTTAACCATCAA-3'

ClinVar aggregate classification (germline): Benign (1 of 4 stars; one submission).

Allele frequency attached by ClinVar (database versions not stated): TOPMed 0.02509; gnomAD 0.02547; 1000 Genomes Project 0.02596; 1000 Genomes Project 30x 0.02768.
gnomAD v4.1: 4,051 of 553,634 alleles (0.73%); highest among the groups gnomAD compares: African/African-American, 8.1%; 118 homozygotes.

Submission:

GeneDx
Classification: Benign. Last evaluated: 2018-06-14. Review status: criteria provided, single submitter. Criteria: GeneDx Variant Classification (06012015). Collection method: clinical testing. Allele origin: germline. Affected: yes.
Comment: This variant is considered likely benign or benign based on one or more of the following criteria: it is a conservative change, it occurs at a poorly conserved position in the protein, it is predicted to be benign by multiple in silico algorithms, and/or has population frequency not consistent with disease.